The following is an entry in ClinVar:

ClinVar aggregate classification (germline): Likely pathogenic. Review status: criteria provided, single submitter (1 of 4 stars). 2 submissions from 2 submitters: Likely pathogenic (1). 1 of the submissions does not count toward it. Last evaluated 2025-12-29.

Conditions:
Premature ovarian failure 22 (POF22). Identifiers: MedGen C5882707, MONDO:0957822, OMIM 620548.
Spermatogenic failure 88 (SPGF88). Identifiers: MedGen C5882706, MONDO:0957821, OMIM 620547.
Azoospermia. Identifiers: MedGen C0004509, MeSH D053713, MONDO:0100459, HP:0000027, MONDO:0004983.

Allele frequency attached by ClinVar (database versions not stated): 1000 Genomes Project 0.00140; 1000 Genomes Project 30x 0.00156; ESP Exome Variant Server 0.00186.
gnomAD v4.1: 675 of 1,613,064 alleles (0.042%); highest among the groups gnomAD compares: African/African-American, 0.72%; 2 homozygotes.

Submissions (2):

First Genomix Gene Laboratory, Genetic Diagnostics Department
Classification: Likely pathogenic for Premature ovarian failure 22; Spermatogenic failure 88. Last evaluated: 2025-12-29. Review status: criteria provided, single submitter. Criteria: ACMG Guidelines, 2015. Collection method: clinical testing. Allele origin: germline. Inheritance: Autosomal recessive inheritance. Affected: no. Observed: 1 variant allele.

Genetics of Infertility and Preimplantation Genetic Diagnosis, Centre Hospitalier Universitaire Grenoble Alpes
Classification: Pathogenic for Azoospermia. Last evaluated: 2021-12-20. Review status: no assertion criteria provided. Collection method: case-control. Allele origin: biparental. Affected: yes. Not counted in ClinVar's aggregate classification.

NM_144688.5(KASH5):c.1146+5G>A

Gene: KASH5 (KASH domain containing 5; plus strand). Cytogenetic location: 19q13.33.
Variant type: single nucleotide variant.
Coding change: c.1146+5G>A on transcript NM_144688.5 (MANE Select); 5 bases into the intron after coding-DNA position 1146, G replaced by A.
Molecular consequence: intron variant.
Genome position (GRCh38, 1-based): chr19:49,409,288, G>A. VCF-style: chr19-49409288-G-A. GRCh37 (hg19) VCF-style: chr19-49912545-G-A.
Identifiers: ClinVar variation 1328949 (VCV001328949.3), dbSNP rs188572864, ClinGen allele CA9572355.